The following is an entry in ClinVar:

ClinVar aggregate classification (germline): Uncertain significance (1 of 4 stars; one submission).

Conditions:
Arrhythmogenic right ventricular dysplasia 11. Also called: ARRHYTHMOGENIC RIGHT VENTRICULAR DYSPLASIA, FAMILIAL, 11; Arrhythmogenic Right Ventricular Dysplasia/Cardiomyopathy11; Arrhythmogenic right ventricular dysplasia 11 with mild palmoplantar keratoderma and woolly hair. Identifiers: MedGen C1864850, MONDO:0012506, OMIM 610476.

Submission:

Labcorp Genetics (formerly Invitae), Labcorp
Classification: Uncertain significance for Arrhythmogenic right ventricular dysplasia 11. Last evaluated: 2023-04-28. Review status: criteria provided, single submitter. Criteria: Invitae Variant Classification Sherloc (09022015). Collection method: clinical testing. Allele origin: germline.
Comment: This variant is not present in population databases (gnomAD no frequency). In summary, the available evidence is currently insufficient to determine the role of this variant in disease. Therefore, it has been classified as a Variant of Uncertain Significance. Advanced modeling of protein sequence and biophysical properties (such as structural, functional, and spatial information, amino acid conservation, physicochemical variation, residue mobility, and thermodynamic stability) performed at Invitae indicates that this missense variant is expected to disrupt DSC2 protein function. This variant has not been reported in the literature in individuals affected with DSC2-related conditions. This sequence change replaces asparagine, which is neutral and polar, with threonine, which is neutral and polar, at codon 439 of the DSC2 protein (p.Asn439Thr).

NM_024422.6(DSC2):c.1316A>C (p.Asn439Thr)

Gene: DSC2 (desmocollin 2; minus strand). Cytogenetic location: 18q12.1.
Variant type: single nucleotide variant.
Coding change: c.1316A>C on transcript NM_024422.6 (MANE Select); coding-DNA position 1316, A replaced by C.
Protein change: p.Asn439Thr; replaces asparagine 439 with threonine.
Molecular consequence: missense variant.
Genome position (GRCh38, 1-based): chr18:31,080,300, T>G on the plus strand (A>C on the coding strand, the complement: DSC2 is on the minus strand). VCF-style: chr18-31080300-T-G. GRCh37 (hg19) VCF-style: chr18-28660266-T-G.
Other names: c.887A>C, p.Asn296Thr (NM_001406506.1, NM_001406507.1); c.1316A>C, p.Asn439Thr (NM_004949.5); short protein forms N296T, N439T.
Identifiers: ClinVar variation 2860258 (VCV002860258.3), dbSNP rs1273872906, ClinGen allele CA402108820.
Genomic context (GRCh38, chr18:31,080,300, plus strand): 5'-GTAACTGTTGCTGTGCTCATGGCTGATCTTGGACTAGCCTCTCTGGAAAATGGAGCTTCA[T>G]TAACTACACCAATTTGCAAGATCATCTGTTGCTTTTCTTCATAATTCAAAGGCTACGAAA-3'
Protein context (NP_077740.1, residues 429-449): QQMILQIGVV[Asn439Thr]EAPFSREASP